The following is an entry in ClinVar:

ClinVar aggregate classification (germline): Uncertain significance (1 of 4 stars; one submission).

Conditions:
Cardiovascular phenotype. Identifiers: MedGen CN230736.

Submission:

Ambry Genetics
Classification: Uncertain significance for Cardiovascular phenotype. Last evaluated: 2026-06-26. Review status: criteria provided, single submitter. Criteria: Ambry Variant Classification Scheme 2023. Collection method: clinical testing. Allele origin: germline.
Comment: The c.402+3G>A intronic variant results from a G to A substitution 3 nucleotides after coding exon 3 in the ABCG5 gene. This nucleotide position is well conserved in available vertebrate species. In silico splice site analysis predicts that this alteration will not have any significant effect on splicing. Based on the available evidence, the clinical significance of this variant remains unclear.

NM_022436.3(ABCG5):c.402+3G>A

Gene: ABCG5 (ATP binding cassette subfamily G member 5; minus strand). Cytogenetic location: 2p21.
Variant type: single nucleotide variant.
Coding change: c.402+3G>A on transcript NM_022436.3 (MANE Select); 3 bases into the intron after coding-DNA position 402, G replaced by A.
Molecular consequence: intron variant.
Genome position (GRCh38, 1-based): chr2:43,831,944, C>T on the plus strand (G>A on the coding strand, the complement: ABCG5 is on the minus strand). VCF-style: chr2-43831944-C-T. GRCh37 (hg19) VCF-style: chr2-44059083-C-T.
Identifiers: ClinVar variation 5026116 (VCV005026116.1).
Genomic context (GRCh38, chr2:43,831,944, plus strand): 5'-CGTCAGTGTAGCCTAAGCCCCCGGGGCGGGCGGGGGGGCCAGGGGTGTGGGGGACGCGCC[C>T]ACCTGCAGGACGTAGGAGAAGCAGTCCTGGAACTGCTCCCGGCGCAGCGCCCGGCCGTTC-3'